The following is an entry in ClinVar:

ClinVar aggregate classification (germline): Uncertain significance (1 of 4 stars; one submission).

Conditions:
Joubert syndrome. Also called: JOUBERT-BOLTSHAUSER SYNDROME; Familial aplasia of the vermis. Identifiers: Orphanet 475, MedGen C5979921, MONDO:0018772.
Meckel-Gruber syndrome. Also called: DYSENCEPHALIA SPLANCHNOCYSTICA; GRUBER SYNDROME; Dysencephalia splachnocystica. Identifiers: Orphanet 564, MedGen C0265215, MONDO:0018921.

Allele frequency attached by ClinVar (database versions not stated): gnomAD exomes below 0.00001; gnomAD 0.00001; TOPMed 0.00001.
gnomAD v4.1: 5 of 1,613,698 alleles (0.00031%); highest among the groups gnomAD compares: Non-Finnish European, 0.00042%; no homozygotes.

Submission:

Labcorp Genetics (formerly Invitae), Labcorp
Classification: Uncertain significance for Joubert syndrome; Meckel-Gruber syndrome. Last evaluated: 2022-05-03. Review status: criteria provided, single submitter. Criteria: Invitae Variant Classification Sherloc (09022015). Collection method: clinical testing. Allele origin: germline.
Comment: This sequence change replaces lysine, which is basic and polar, with isoleucine, which is neutral and non-polar, at codon 850 of the CC2D2A protein (p.Lys850Ile). This variant is present in population databases (no rsID available, gnomAD 0.0009%). This variant has not been reported in the literature in individuals affected with CC2D2A-related conditions. Advanced modeling of protein sequence and biophysical properties (such as structural, functional, and spatial information, amino acid conservation, physicochemical variation, residue mobility, and thermodynamic stability) performed at Invitae indicates that this missense variant is expected to disrupt CC2D2A protein function. In summary, the available evidence is currently insufficient to determine the role of this variant in disease. Therefore, it has been classified as a Variant of Uncertain Significance.

NM_001378615.1(CC2D2A):c.2549A>T (p.Lys850Ile)

Genes: CC2D2A (coiled-coil and C2 domain containing 2A; plus strand), FBXL5 (F-box and leucine rich repeat protein 5; minus strand). Cytogenetic location: 4p15.32.
Variant type: single nucleotide variant.
Coding change: c.2549A>T on transcript NM_001378615.1 (MANE Select); coding-DNA position 2549, A replaced by T.
Protein change: p.Lys850Ile; replaces lysine 850 with isoleucine.
Molecular consequence: missense variant.
Genome position (GRCh38, 1-based): chr4:15,555,134, A>T. VCF-style: chr4-15555134-A-T. GRCh37 (hg19) VCF-style: chr4-15556757-A-T.
Other names: c.2402A>T, p.Lys801Ile (NM_001378617.1); c.2549A>T, p.Lys850Ile (NM_001080522.2); short protein forms K850I, K801I.
Identifiers: ClinVar variation 2132779 (VCV002132779.1), dbSNP rs1029391409, ClinGen allele CA92544732.